The following is an entry in ClinVar:

ClinVar aggregate classification (germline): Conflicting classifications of pathogenicity. Review status: criteria provided, conflicting classifications (1 of 4 stars). 5 submissions from 5 submitters: Uncertain significance (3); Likely benign (2). Last evaluated 2026-06-22.

Conditions:
Hereditary cancer-predisposing syndrome. Also called: Hereditary neoplastic syndrome; Neoplastic Syndromes, Hereditary; Hereditary Cancer Syndrome; Tumor predisposition. Identifiers: Orphanet 140162, MedGen C0027672, MeSH D009386, MONDO:0015356.
Neuroblastoma, susceptibility to, 3. Also called: ALK-Related Neuroblastic Tumor Susceptibility. Identifiers: Orphanet 635, MedGen C2751681, MONDO:0013083, OMIM 613014.

Allele frequency attached by ClinVar (database versions not stated): 1000 Genomes Project 0.00020; TOPMed 0.00013; ExAC 0.00008; 1000 Genomes Project 30x 0.00016; gnomAD exomes 0.00006; gnomAD 0.00008.
gnomAD v4.1: 58 of 1,613,432 alleles (0.0036%); highest among the groups gnomAD compares: African/African-American, 0.019%; no homozygotes.

Submissions (5):

Women's Health and Genetics/Laboratory Corporation of America, LabCorp
Classification: Likely benign. Last evaluated: 2026-06-22. Review status: criteria provided, single submitter. Criteria: LabCorp Variant Classification Summary - May 2015. Collection method: clinical testing. Allele origin: germline.
Comment: Variant summary: ALK c.3133G>A (p.Val1045Met) results in a conservative amino acid change in the encoded protein sequence. Algorithms developed to predict the effect of missense changes on protein structure and function are either unavailable or do not agree on the potential impact of this missense change. The variant allele was found at a frequency of 6.4e-05 in 248668 control chromosomes. The observed variant frequency exceeds the estimated maximal expected allele frequency for disease-causing variants in ALK. To our knowledge, no occurrence of c.3133G>A in individuals affected with ALK-related conditions and no experimental evidence demonstrating its impact on protein function have been reported. ClinVar contains an entry for this variant (Variation ID: 404329). Based on the evidence outlined above, the variant was classified as likely benign.

Labcorp Genetics (formerly Invitae), Labcorp
Classification: Uncertain significance for Neuroblastoma, susceptibility to, 3. Last evaluated: 2025-12-08. Review status: criteria provided, single submitter. Criteria: Invitae Variant Classification Sherloc (09022015). Collection method: clinical testing. Allele origin: germline.
Comment: This sequence change replaces valine, which is neutral and non-polar, with methionine, which is neutral and non-polar, at codon 1045 of the ALK protein (p.Val1045Met). The frequency data for this variant in the population databases is considered unreliable, as metrics indicate poor data quality at this position in the gnomAD database. This variant has not been reported in the literature in individuals affected with ALK-related conditions. ClinVar contains an entry for this variant (Variation ID: 404329). An algorithm developed to predict the effect of missense changes on protein structure and function (PolyPhen-2) suggests that this variant is likely to be disruptive. In summary, the available evidence is currently insufficient to determine the role of this variant in disease. Therefore, it has been classified as a Variant of Uncertain Significance.

Ambry Genetics
Classification: Likely benign for Hereditary cancer-predisposing syndrome. Last evaluated: 2024-06-25. Review status: criteria provided, single submitter. Criteria: Ambry Variant Classification Scheme 2023. Collection method: clinical testing. Allele origin: germline.

Baylor Genetics
Classification: Uncertain significance for Neuroblastoma, susceptibility to, 3. Last evaluated: 2024-03-13. Review status: criteria provided, single submitter. Criteria: ACMG Guidelines, 2015. Collection method: clinical testing. Allele origin: unknown.

GeneDx
Classification: Uncertain significance. Last evaluated: 2023-06-08. Review status: criteria provided, single submitter. Criteria: GeneDx Variant Classification Process June 2021. Collection method: clinical testing. Allele origin: germline. Affected: yes.
Comment: In silico analysis supports that this missense variant does not alter protein structure/function; Has not been previously published as pathogenic or benign to our knowledge; This variant is associated with the following publications: (PMID: 25054154, 35437925, 29641532)

NM_004304.5(ALK):c.3133G>A (p.Val1045Met)

Gene: ALK (ALK receptor tyrosine kinase; minus strand). Cytogenetic location: 2p23.2.
Variant type: single nucleotide variant.
Coding change: c.3133G>A on transcript NM_004304.5 (MANE Select); coding-DNA position 3133, G replaced by A.
Protein change: p.Val1045Met; replaces valine 1045 with methionine.
Molecular consequence: missense variant.
Genome position (GRCh38, 1-based): chr2:29,225,500, C>T on the plus strand (G>A on the coding strand, the complement: ALK is on the minus strand). VCF-style: chr2-29225500-C-T. GRCh37 (hg19) VCF-style: chr2-29448366-C-T.
Other names: short protein forms V1045M.
Identifiers: ClinVar variation 404329 (VCV000404329.14), dbSNP rs200641396, ClinGen allele CA1594065.